The following is an entry in ClinVar:

NM_001114753.3(ENG):c.503T>A (p.Ile168Asn)

Gene: ENG (endoglin; minus strand). Cytogenetic location: 9q34.11.
Variant type: single nucleotide variant.
Coding change: c.503T>A on transcript NM_001114753.3 (MANE Select); coding-DNA position 503, T replaced by A.
Protein change: p.Ile168Asn; replaces isoleucine 168 with asparagine.
Molecular consequence: missense variant. On other transcripts: 5 prime UTR variant (1).
Genome position (GRCh38, 1-based): chr9:127,826,530, A>T on the plus strand (T>A on the coding strand, the complement: ENG is on the minus strand). VCF-style: chr9-127826530-A-T. GRCh37 (hg19) VCF-style: chr9-130588809-A-T.
Other names: c.503T>A, p.Ile168Asn (NM_000118.4, NM_001406715.1); c.-44T>A (NM_001278138.2); short protein forms I168N.
Identifiers: ClinVar variation 1436577 (VCV001436577.12), dbSNP rs2131890414, ClinGen allele CA374984131.

ClinVar aggregate classification (germline): Uncertain significance. Review status: criteria provided, multiple submitters, no conflicts (2 of 4 stars). 3 submissions from 3 submitters: Uncertain significance (3). Last evaluated 2023-03-30.

Conditions:
Hereditary hemorrhagic telangiectasia (HHT). Also called: ORW DISEASE; Osler Weber Rendu syndrome; OSLER-RENDU-WEBER DISEASE; Osler hemorrhagic telangiectasia syndrome. Identifiers: Orphanet 774, MedGen C0039445, MONDO:0019180. Disease mechanism: loss of function.
Telangiectasia, hereditary hemorrhagic, type 1 (HHT1). Also called: Osler Weber Rendu syndrome type 1; ENG-Related Hereditary Hemorrhagic Telangiectasia. Identifiers: Orphanet 774, MedGen C4551861, MONDO:0008535, OMIM 187300. Disease mechanism: loss of function.

Submissions (3):

Molecular Genetics, Royal Melbourne Hospital
Classification: Uncertain significance for Telangiectasia, hereditary hemorrhagic, type 1. Last evaluated: 2023-03-30. Review status: criteria provided, single submitter. Criteria: ACMG Guidelines, 2015. Collection method: clinical testing. Allele origin: germline. Affected: yes.
Comment: This sequence change is predicted to replace isoleucine with asparagine at codon 168 of the ENG protein (p.(Ile168Asn)). The isoleucine residue is moderately conserved (100 vertebrates, UCSC), and is located in GDF2 interaction region of the OR2 (N-terminal orphan region) domain (PMID: 28564608). There is a large physicochemical difference between isoleucine and asparagine. The variant is absent in a large population cohort (gnomAD v2.1 and v3.0), and has been reported as a variant of uncertain significance (LOVD). Multiple lines of computational evidence predict a deleterious effect for the missense substitution (5/6 algorithms). Based on the classification scheme RMH Modified ACMG Guidelines v1.3.0, this variant is classified as a VARIANT OF UNCERTAIN SIGNIFICANCE. Following criteria are met: PS4_Supporting, PM2_Supporting, PP3.

Labcorp Genetics (formerly Invitae), Labcorp
Classification: Uncertain significance for Hereditary hemorrhagic telangiectasia. Last evaluated: 2021-03-17. Review status: criteria provided, single submitter. Criteria: Invitae Variant Classification Sherloc (09022015). Collection method: clinical testing. Allele origin: germline.
Comment: This variant is not present in population databases (ExAC no frequency). In summary, the available evidence is currently insufficient to determine the role of this variant in disease. Therefore, it has been classified as a Variant of Uncertain Significance. Advanced modeling of protein sequence and biophysical properties (such as structural, functional, and spatial information, amino acid conservation, physicochemical variation, residue mobility, and thermodynamic stability) performed at Invitae indicates that this missense variant is expected to disrupt ENG protein function. This variant has not been reported in the literature in individuals with ENG-related conditions. This sequence change replaces isoleucine with asparagine at codon 168 of the ENG protein (p.Ile168Asn). The isoleucine residue is moderately conserved and there is a large physicochemical difference between isoleucine and asparagine.

Victorian Clinical Genetics Services, Murdoch Childrens Research Institute
Classification: Uncertain significance for Telangiectasia, hereditary hemorrhagic, type 1. Last evaluated: 2020-10-19. Review status: criteria provided, single submitter. Criteria: ACMG Guidelines, 2015. Collection method: clinical testing. Allele origin: germline. Inheritance: Autosomal dominant inheritance.
Comment: Based on the classification scheme VCGS_Germline_v1.1.1, this variant is classified as 3B-VUS. Following criteria are met: 0102 Loss-of-function is a known mechanism of disease for this gene. (N) 0104 Dominant Negative is a mechanism of disease for this gene. (N) 0107 This gene is known to be associated with autosomal dominant disease. (N) 0200 Variant is predicted to result in a missense amino acid change from isoleucine to asparagine (exon 4). (N) 0251 Variant is heterozygous. (N) 0301 Variant is absent from gnomAD. (P) 0502 Missense variant with conflicting in silico predictions and/or uninformative conservation. (N) 0604 Variant is not located in an established domain, motif, hotspot or informative constraint region. (N) 0705 No comparable variants have previous evidence for pathogenicity. (N) 0804 Variant is absent in the population and has previously been described as variant of uncertain significance once (LOVD). (P) 0905 No segregation evidence has been identified for this variant. (N) 1007 No published functional evidence has been identified for this variant. (N) 1208 Inheritance information for this variant is not currently available. (N) Legend: (P) - Pathogenic, (N) - Neutral, (B) - Benign

Literature cited by the submitters: PubMed 28564608 (cited by Molecular Genetics, Royal Melbourne Hospital).